The following is an entry in ClinVar:

ClinVar aggregate classification (germline): Conflicting classifications of pathogenicity. Review status: criteria provided, conflicting classifications (1 of 4 stars). 2 submissions from 2 submitters: Likely pathogenic (1); Uncertain significance (1). Last evaluated 2026-04-06.

Conditions:
Long QT syndrome (LQTS). Identifiers: MedGen C0023976, MeSH D008133, MONDO:0002442. Disease mechanism: loss of function. Inheritance: Various modes of inheritance.

Submissions (2):

GeneDx
Classification: Likely pathogenic. Last evaluated: 2026-04-06. Review status: criteria provided, single submitter. Criteria: GeneDx Variant Classification Process June 2021. Collection method: clinical testing. Allele origin: germline.
Comment: Not observed at significant frequency in large population cohorts (gnomAD); In silico analysis supports that this missense variant has a deleterious effect on protein structure/function; Has not been previously published as pathogenic or benign to our knowledge

Labcorp Genetics (formerly Invitae), Labcorp
Classification: Uncertain significance for Long QT syndrome. Last evaluated: 2025-11-05. Review status: criteria provided, single submitter. Criteria: Invitae Variant Classification Sherloc (09022015). Collection method: clinical testing. Allele origin: germline.
Comment: This sequence change replaces isoleucine, which is neutral and non-polar, with asparagine, which is neutral and polar, at codon 467 of the KCNH2 protein (p.Ile467Asn). This variant is not present in population databases (gnomAD no frequency). This variant has not been reported in the literature in individuals affected with KCNH2-related conditions. An algorithm developed to predict the effect of missense changes on protein structure and function (PolyPhen-2) suggests that this variant is likely to be disruptive. In summary, the available evidence is currently insufficient to determine the role of this variant in disease. Therefore, it has been classified as a Variant of Uncertain Significance.

NM_000238.4(KCNH2):c.1400T>A (p.Ile467Asn)

Gene: KCNH2 (potassium voltage-gated channel subfamily H member 2; minus strand). Cytogenetic location: 7q36.1.
Variant type: single nucleotide variant.
Coding change: c.1400T>A on transcript NM_000238.4 (MANE Select); coding-DNA position 1400, T replaced by A.
Protein change: p.Ile467Asn; replaces isoleucine 467 with asparagine.
Molecular consequence: missense variant. On other transcripts: non-coding transcript variant (2).
Genome position (GRCh38, 1-based): chr7:150,952,582, A>T on the plus strand (T>A on the coding strand, the complement: KCNH2 is on the minus strand). VCF-style: chr7-150952582-A-T. GRCh37 (hg19) VCF-style: chr7-150649670-A-T.
Other names: c.380T>A, p.Ile127Asn (NM_001204798.2, NM_172057.3); c.1112T>A, p.Ile371Asn (NM_001406753.1, NM_001406756.1); c.1223T>A, p.Ile408Asn (NM_001406755.1); c.1100T>A, p.Ile367Asn (NM_001406757.1); c.1400T>A, p.Ile467Asn (NM_172056.3); c.1400T>A (NM_000238.2); short protein forms I371N, I367N, I408N, I127N, I467N.
Identifiers: ClinVar variation 4730527 (VCV004730527.2).